The following is an entry in ClinVar:

NM_001009944.3(PKD1):c.10698GGCTGT[2] (p.3567AV[2])

Genes: PKD1 (polycystin 1, transient receptor potential channel interacting; minus strand), PKD1-AS1 (PKD1 antisense RNA 1; plus strand). Cytogenetic location: 16p13.3.
Variant type: Microsatellite.
Coding change: c.10698GGCTGT[2] on transcript NM_001009944.3 (MANE Select); two copies in a row of the 6-base unit GGCTGT starting at c.10698; the reference has three copies in a row; one copy, 6 bases deleted; also written c.10710_10715del.
Protein change: p.3567AV[2].
Molecular consequence: inframe deletion.
Genome position (GRCh38, 1-based): chr16:2,093,917-2,093,922, ACAGCC deleted on the plus strand (GGCTGT on the coding strand, the reverse complement: PKD1 is on the minus strand); deleting any 6 consecutive bases within chr16:2,093,917-2,093,936 gives the same sequence; the position shown is the placement nearest the transcript's 3' end. VCF-style (leftmost placement, unchanged base first): chr16-2093916-GACAGCC-G. GRCh37 (hg19) VCF-style: chr16-2143917-GACAGCC-G.
Other names: c.10710_10715delGGCTGT (NM_001009944.2, NM_001009944.3); c.10710_10715del (NM_001009944.3); c.10695GGCTGT[2], p.3566AV[2] (NM_000296.4); c.10710_10715del6 (NM_001009944.2).
Identifiers: ClinVar variation 434001 (VCV000434001.25), dbSNP rs777460677, ClinGen allele CA645373030.
Genomic context (GRCh38, chr16:2,093,916, plus strand): 5'-GCTGGACAGGAGCCACGCAACACTCACGCCCGGGGGGAAGCTCGCACCCACCCACCCTGA[GACAGCC>G]ACAGCCACAGCCACCAGGAGCAGGCTGAGCCCGTGGGCCAGGGAGGCACACCAGGCCGGC-3'

ClinVar aggregate classification (germline): Pathogenic/Likely pathogenic. Review status: criteria provided, multiple submitters, no conflicts (2 of 4 stars). 11 submissions from 11 submitters: Pathogenic (3); Likely pathogenic (7). 1 of the submissions does not count toward it. Last evaluated 2025-11-18.

Conditions:
PKD1-related disorder. Also called: PKD1-related condition.
Autosomal dominant polycystic kidney disease. Identifiers: Orphanet 730, MedGen C0085413, MONDO:0004691.
Polycystic kidney disease, adult type (PKD1). Also called: POLYCYSTIC KIDNEY DISEASE 1 WITH OR WITHOUT POLYCYSTIC LIVER DISEASE; POLYCYSTIC KIDNEY DISEASE, ADULT, TYPE I; Polycystic Kidney Disease 1, Autosomal Dominant; Polycystic kidney disease 1; Polycystic kidney disease 1, severe; Polycystic Kidney, Autosomal Dominant. Identifiers: MedGen C3149841, MONDO:0008263, OMIM 173900.

Submissions (11):

Women's Health and Genetics/Laboratory Corporation of America, LabCorp
Classification: Pathogenic for Polycystic kidney disease, adult type. Last evaluated: 2025-11-18. Review status: criteria provided, single submitter. Criteria: LabCorp Variant Classification Summary - May 2015. Collection method: clinical testing. Allele origin: germline.
Comment: Variant summary: PKD1 c.10710_10715delGGCTGT (p.Ala3571_Val3572del) results in an in-frame deletion that is predicted to remove 2 amino acids from the encoded protein. The variant was absent in 202676 control chromosomes (gnomAD). c.10710_10715delGGCTGT has been observed in multiple individuals affected with Polycystic Kidney Disease 1 (e.g., Alberer_2010, Canaud_2010, Yu_2022). These data indicate that the variant is very likely to be associated with disease. The following publications have been ascertained in the context of this evaluation (PMID: 20921908, 20642692, 35778421). ClinVar contains an entry for this variant (Variation ID: 434001). Based on the evidence outlined above, the variant was classified as pathogenic.

Dasa
Classification: Likely pathogenic for Polycystic kidney disease, adult type. Last evaluated: 2025-07-01. Review status: criteria provided, single submitter. Criteria: DASA Assertion Criteria. Collection method: clinical testing. Allele origin: germline.
Comment: NM_001009944.3(PKD1):c.10710_10715del (p.Ala3571_Val3572del) is an in-frame deletion predicted to remove amino acids from alanine at protein position 3571 through valine at protein position 3572 without shifting the reading frame. This variant has been recurrently observed in individuals with Polycystic kidney disease, adult type (PMID: 20642692; PMID: 30333007; PMID: 37509056). Functional evidence supports an impact on the gene or gene product. Also, this variant is rare in population databases. Based on the currently available evidence, this variant is classified as likely pathogenic.

Victorian Clinical Genetics Services, Murdoch Childrens Research Institute
Classification: Pathogenic for Polycystic kidney disease, adult type. Last evaluated: 2025-06-25. Review status: criteria provided, single submitter. Criteria: ACMG Guidelines, 2015. Collection method: clinical testing. Allele origin: germline. Affected: yes.
Comment: This variant is classified as Pathogenic. Evidence in support of pathogenic classification: Variant is present in gnomAD <0.001 for a dominant condition (v4: 10 heterozygote(s), 0 homozygote(s)); This variant has strong previous evidence of pathogenicity in unrelated individuals. This variant has been classified as pathogenic/likely pathogenic by clinical laboratories in ClinVar, and reported in the literature in individuals with ADPKD (PMIDs: 20921908, 30989420, 23300259, 35778421). Evidence in support of benign classification: In-frame insertion/deletion fully contained in a repetitive region that has low conservation. Additional information: This variant is heterozygous; This gene is associated with autosomal dominant disease. Polycystic kidney disease 1 (MIM#173900) is predominantly caused by monoallelic variants, with rare reports of biallelic variants causing disease (OMIM); No published functional evidence has been identified for this variant; No comparable in-frame deletion variants have previous evidence for pathogenicity. However, a larger in-frame deletion affecting this repeat region has been classified as likely pathogenic by a clinical laboratory in ClinVar; Variant is not located in an established domain, motif, hotspot or informative constraint region; Loss of function is a known mechanism of disease in this gene and is associated with polycystic kidney disease 1 (MIM#173900); Inheritance information for this variant is not currently available in this individual.

GeneDx
Classification: Likely pathogenic. Last evaluated: 2025-04-25. Review status: criteria provided, single submitter. Criteria: GeneDx Variant Classification Process June 2021. Collection method: clinical testing. Allele origin: germline. Affected: yes.
Comment: In-frame deletion of 2 amino acids in a non-repeat region; Not observed at significant frequency in large population cohorts (gnomAD); In silico analysis supports a deleterious effect on protein structure/function; This variant is associated with the following publications: (PMID: 20642692, 20921908, 30333007, 37509056)

PreventionGenetics, part of Exact Sciences
Classification: Pathogenic for PKD1-related condition. Last evaluated: 2025-03-10. Review status: criteria provided, single submitter. Criteria: ACMG Guidelines, 2015. Collection method: clinical testing. Allele origin: germline.
Comment: The PKD1 c.10710_10715del6 variant is predicted to result in an in-frame deletion (p.Ala3571_Val3572del). This variant has been reported in individuals with polycystic kidney disease (PKD) (reported as c.10707_10712del in Alberer et al. 2010. PubMed ID: 20921908; Canaud et al. 2010. PubMed ID: 20642692; He et al. 2018. PubMed ID: 30333007; Table S1, Kimura et al. 2023. PubMed ID: 37509056). Of note, we have previously found this variant in at least five presumably unrelated patients tested for PKD at PreventionGenetics (internal data). This variant has not been reported in a large population database (gnomAD), indicating this variant is rare. This variant is interpreted as pathogenic.

Fulgent Genetics
Classification: Likely pathogenic for Polycystic kidney disease, adult type. Last evaluated: 2024-02-15. Review status: criteria provided, single submitter. Criteria: ACMG Guidelines, 2015. Collection method: clinical testing. Allele origin: germline.

Blueprint Genetics
Classification: Likely pathogenic for PKD1-related disorders. Last evaluated: 2022-08-09. Review status: criteria provided, single submitter. Criteria: ACMG Guidelines, 2015. Collection method: clinical testing. Allele origin: germline. Affected: yes. Observed: 5 variant alleles.

Clinical Genetics Laboratory, Skane University Hospital Lund
Classification: Likely pathogenic. Last evaluated: 2022-07-13. Review status: criteria provided, single submitter. Criteria: ACMG Guidelines, 2015. Collection method: clinical testing. Allele origin: germline. Affected: yes.

Department of Human Genetics, Hannover Medical School
Classification: Likely pathogenic for Polycystic kidney disease, adult type. Last evaluated: 2021-12-06. Review status: criteria provided, single submitter. Criteria: ACMG Guidelines, 2015. Collection method: clinical testing. Allele origin: germline. Inheritance: Autosomal dominant inheritance. Affected: yes.

ARUP Laboratories, Molecular Genetics and Genomics, ARUP Laboratories
Classification: Likely pathogenic for Polycystic kidney disease, adult type. Last evaluated: 2018-11-24. Review status: criteria provided, single submitter. Criteria: ARUP Molecular Germline Variant Investigation Process. Collection method: clinical testing. Allele origin: germline.
Comment: The PKD1 c.10710_10715del; p.Ala3571_Val3572del variant (rs777460677) has been described in the literature in association with autosomal dominant polycystic kidney disease (ADPKD; Alberer 2010, Canaud 2010, He 2018). It is reported in ClinVar (Variation ID: 434001), and is absent from general population databases (1000 Genomes Project, Exome Variant Server, and Genome Aggregation Database), indicating it is not a common polymorphism. This variant deletes 2 residues (alanine and valine), leaving the rest of the protein in-frame. Based on available information, this variant is considered likely pathogenic. REFERENCES Alberer M et al. Reduced methotrexate clearance and renal impairment in a boy with osteosarcoma and earlier undetected autosomal dominant polycystic kidney disease (ADPKD). J Pediatr Hematol Oncol. 2010 Nov;32(8):e314-6. Canaud G et al. Therapeutic mTOR inhibition in autosomal dominant polycystic kidney disease: What is the appropriate serum level? Am J Transplant. 2010 Jul;10(7):1701-6. He W et al. Novel mutations of PKD genes in Chinese patients suffering from autosomal dominant polycystic kidney disease and seeking assisted reproduction. BMC Med Genet. 2018 Oct 17;19(1):186.

Department of Pathology and Laboratory Medicine, Sinai Health System
Classification: Pathogenic for Autosomal dominant polycystic kidney disease. Review status: no assertion criteria provided. Collection method: clinical testing. Allele origin: unknown. Affected: yes. Study: The Canadian Open Genetics Repository (COGR). Not counted in ClinVar's aggregate classification.
Comment: The p.Ala3571_Val3572del variant was identified by Cannaud (2010) in a kidney donor, whose kidneys were transplanted in two recipients. After transplantation, both patients developed severe transplant cystic disease. Donor DNA sequence identified a novel hypomorphic mutation in PKD1 (10710_10715del6) as the only likely mutation. This deletion is located in the fourth transmembrane (TM) region of polycystin-1 and is predicted to change the site of the TM domain. The p.Ala3571_Val3572del variant was not identified in the dbSNP, NHLBI Exome Sequencing Project (Exome Variant Server), Exome Aggregation Consortium (ExAC version 0.3 released January 13, 2015), COSMIC, MutDB, the ClinVar, Clinvitae, GeneInsight COGR through the Canadian Open Genetics Repository and in LOVD PKD1 and LOVD3.0 PKD1 Databases. The variant was identified in the Mayo Clinic PKD1 database and was classified as Likely Pathogenic. This variant is an in-frame deletion resulting in the removal of Ala residue at codon 3571 and Val residue at codon 3572 resulting in loss a critical domain region and potentially loss of function. This type of variant is expected to cause Autosomal Dominant Polycystic Kidney Disease, consistent with the clinical diagnosis in this individual. In summary, based on the above information, this variant meets our laboratoryâ€šÃ„Ã´s criteria to be classified as pathogenic.

Literature cited by the submitters: PubMed 35778421 (cited by Women's Health and Genetics/Laboratory Corporation of America, LabCorp and Victorian Clinical Genetics Services, Murdoch Childrens Research Institute); PubMed 20921908 (cited by Women's Health and Genetics/Laboratory Corporation of America, LabCorp and Victorian Clinical Genetics Services, Murdoch Childrens Research Institute); PubMed 20642692 (cited by Women's Health and Genetics/Laboratory Corporation of America, LabCorp and Dasa); PubMed 30333007 (cited by Dasa); PubMed 37509056 (cited by Dasa); PubMed 30989420 (cited by Victorian Clinical Genetics Services, Murdoch Childrens Research Institute); PubMed 23300259 (cited by Victorian Clinical Genetics Services, Murdoch Childrens Research Institute).